The following is an entry in ClinVar:

NM_032043.3(BRIP1):c.2589_2590insTACG (p.Val864fs)

Gene: BRIP1 (BRCA1 interacting DNA helicase 1; minus strand). Cytogenetic location: 17q23.2.
Variant type: Insertion.
Coding change: c.2589_2590insTACG on transcript NM_032043.3 (MANE Select); coding-DNA positions 2589 to 2590, TACG inserted.
Protein change: p.Val864fs; shifts the reading frame from valine 864.
Molecular consequence: frameshift variant.
Genome position: GRCh38 VCF-style: chr17-61686151-C-CCGTA. GRCh37 (hg19) VCF-style: chr17-59763512-C-CCGTA.
Other names: short protein forms V864fs.
Identifiers: ClinVar variation 653165 (VCV000653165.9), dbSNP rs1603277005, ClinGen allele CA915950692.
Genomic context (GRCh38, chr17:61,686,151, plus strand): 5'-ATTCAGCCAAGGATTCCAGTGCACTTTCAAAGGTTGAATGGTGCTGAATCTGCTGCCGTA[C>CCGTA]CCATTTAGAAAGTCCTAAAGAAAAAGGTAAACCCAGGGAAAATTTGGTTACTTAGTTATT-3'

ClinVar aggregate classification (germline): Pathogenic. Review status: criteria provided, multiple submitters, no conflicts (2 of 4 stars). 2 submissions from 2 submitters: Pathogenic (2). Last evaluated 2025-03-03.

Conditions:
Familial cancer of breast. Also called: hereditary breast carcinoma; BREAST CANCER, FAMILIAL; Hereditary breast cancer. Identifiers: Orphanet 227535, MedGen C0346153, MONDO:0016419, OMIM 114480. Disease mechanism: loss of function.
Fanconi anemia complementation group J. Also called: BRIP1-Related Fanconi Anemia. Identifiers: Orphanet 84, MedGen C1836860, MONDO:0012187, OMIM 609054.

Submissions (2):

Labcorp Genetics (formerly Invitae), Labcorp
Classification: Pathogenic for Familial cancer of breast; Fanconi anemia complementation group J. Last evaluated: 2025-03-03. Review status: criteria provided, single submitter. Criteria: Invitae Variant Classification Sherloc (09022015). Collection method: clinical testing. Allele origin: germline.
Comment: This sequence change creates a premature translational stop signal (p.Val864Tyrfs*13) in the BRIP1 gene. It is expected to result in an absent or disrupted protein product. Loss-of-function variants in BRIP1 are known to be pathogenic (PMID: 16116423, 17033622, 21964575). This variant is not present in population databases (gnomAD no frequency). This variant has not been reported in the literature in individuals affected with BRIP1-related conditions. ClinVar contains an entry for this variant (Variation ID: 653165). For these reasons, this variant has been classified as Pathogenic.

Myriad Genetics, Inc.
Classification: Pathogenic for Familial cancer of breast. Last evaluated: 2023-06-07. Review status: criteria provided, single submitter. Criteria: Myriad Autosomal Dominant, Autosomal Recessive and X-Linked Classification Criteria (2023). Collection method: clinical testing. Allele origin: unknown.
Comment: This variant is considered pathogenic. This variant creates a frameshift predicted to result in premature protein truncation.

Literature cited by the submitters: PubMed 16116423 (cited by Labcorp Genetics (formerly Invitae), Labcorp); PubMed 17033622 (cited by Labcorp Genetics (formerly Invitae), Labcorp); PubMed 21964575 (cited by Labcorp Genetics (formerly Invitae), Labcorp).